The following is an entry in ClinVar:

ClinVar aggregate classification (germline): Uncertain significance (1 of 4 stars; one submission).

Conditions:
Inborn genetic diseases. Identifiers: MedGen C0950123, MeSH D030342.

Submission:

Ambry Genetics
Classification: Uncertain significance for Inborn genetic diseases. Last evaluated: 2026-03-12. Review status: criteria provided, single submitter. Criteria: Ambry Variant Classification Scheme 2023. Collection method: clinical testing. Allele origin: germline.
Comment: The p.L88W variant (also known as c.263T>G), located in coding exon 3 of the SBDS gene, results from a T to G substitution at nucleotide position 263. The leucine at codon 88 is replaced by tryptophan, an amino acid with similar properties. This amino acid position is conserved. In addition, this alteration is predicted to be deleterious by in silico analysis. Based on the available evidence, the clinical significance of this variant remains unclear.

NM_016038.4(SBDS):c.263T>G (p.Leu88Trp)

Gene: SBDS (SBDS ribosome maturation factor; minus strand). Cytogenetic location: 7q11.21.
Variant type: single nucleotide variant.
Coding change: c.263T>G on transcript NM_016038.4 (MANE Select); coding-DNA position 263, T replaced by G.
Protein change: p.Leu88Trp; replaces leucine 88 with tryptophan.
Molecular consequence: missense variant.
Genome position (GRCh38, 1-based): chr7:66,993,413, A>C on the plus strand (T>G on the coding strand, the complement: SBDS is on the minus strand). VCF-style: chr7-66993413-A-C. GRCh37 (hg19) VCF-style: chr7-66458400-A-C.
Other names: short protein forms L88W.
Identifiers: ClinVar variation 4826992 (VCV004826992.1).
Genomic context (GRCh38, chr7:66,993,413, plus strand): 5'-AACATCTGCTCCAGTTGTGTGTGTCTTTCTTTATCTGATACTTGAACTTCTCCTTTAGTC[A>C]AAATCTAAAAAAATGCCAACACATTTAAGAAATCACTATCTTTCTCTATCACACACTATT-3'
Protein context (NP_057122.2, residues 78-98): DDQTEICKQI[Leu88Trp]TKGEVQVSDK